The following is an entry in ClinVar:

ClinVar aggregate classification (germline): Likely benign (1 of 4 stars; one submission).

gnomAD v4.1: 3 of 1,614,008 alleles (0.00019%); highest among the groups gnomAD compares: Non-Finnish European, 0.00025%; no homozygotes.

Submission:

CeGaT Center for Human Genetics Tuebingen
Classification: Likely benign. Last evaluated: 2024-11-01. Review status: criteria provided, single submitter. Criteria: CeGaT Center For Human Genetics Tuebingen Variant Classification Criteria Version 2. Collection method: clinical testing. Allele origin: germline. Affected: yes. Observed: 2 variant alleles.
Comment: CHSY3: BP4, BP7

NM_175856.5(CHSY3):c.2529C>T (p.Asp843=)

Gene: CHSY3 (chondroitin sulfate synthase 3; plus strand). Cytogenetic location: 5q23.3.
Variant type: single nucleotide variant.
Coding change: c.2529C>T on transcript NM_175856.5 (MANE Select); coding-DNA position 2529, C replaced by T.
Protein change: p.Asp843=; no amino-acid change (aspartic acid 843 retained).
Molecular consequence: synonymous variant.
Genome position (GRCh38, 1-based): chr5:130,185,671, C>T. VCF-style: chr5-130185671-C-T. GRCh37 (hg19) VCF-style: chr5-129521364-C-T.
Identifiers: ClinVar variation 3388855 (VCV003388855.14).